The following is an entry in ClinVar:

NM_003410.4(ZFX):c.1970C>T (p.Thr657Met)

Gene: ZFX (zinc finger protein X-linked; plus strand). Cytogenetic location: Xp22.11.
Variant type: single nucleotide variant.
Coding change: c.1970C>T on transcript NM_003410.4 (MANE Select); coding-DNA position 1970, C replaced by T.
Protein change: p.Thr657Met; replaces threonine 657 with methionine.
Molecular consequence: missense variant. On other transcripts: 3 prime UTR variant (1).
Genome position (GRCh38, 1-based): chrX:24,210,928, C>T. VCF-style: chrX-24210928-C-T. GRCh37 (hg19) VCF-style: chrX-24229045-C-T.
Other names: c.1970C>T, p.Thr657Met (NM_001178084.2, NM_001178085.1); c.1283C>T, p.Thr428Met (NM_001178086.2); c.*730C>T (NM_001178095.2); c.2087C>T, p.Thr696Met (NM_001330327.2); short protein forms T428M, T657M, T696M.
Identifiers: ClinVar variation 3781129 (VCV003781129.2).

ClinVar aggregate classification (germline): Uncertain significance (1 of 4 stars; one submission).

gnomAD v4.1: 1 of 1,211,453 alleles (0.000083%); highest among the groups gnomAD compares: Non-Finnish European, 0.00011%; no homozygotes.

Submission:

GeneDx
Classification: Uncertain significance. Last evaluated: 2025-11-18. Review status: criteria provided, single submitter. Criteria: GeneDx Variant Classification Process June 2021. Collection method: clinical testing. Allele origin: germline. Affected: yes.
Comment: Not observed at significant frequency in large population cohorts (gnomAD); In silico analysis supports that this missense variant has a deleterious effect on protein structure/function; Has not been previously published as pathogenic or benign to our knowledge